The following is an entry in ClinVar:

ClinVar aggregate classification (germline): Uncertain significance. Review status: criteria provided, multiple submitters, no conflicts (2 of 4 stars). 4 submissions from 4 submitters: Uncertain significance (4). Last evaluated 2024-10-23.

Conditions:
Intellectual disability, autosomal dominant 16 (CSS4). Also called: COFFIN-SIRIS SYNDROME 4. Identifiers: Orphanet 1465, MedGen C3553249, MONDO:0013821, OMIM 614609.
Hereditary cancer-predisposing syndrome. Also called: Hereditary neoplastic syndrome; Neoplastic Syndromes, Hereditary; Hereditary Cancer Syndrome; Tumor predisposition. Identifiers: Orphanet 140162, MedGen C0027672, MeSH D009386, MONDO:0015356.
Rhabdoid tumor predisposition syndrome 2 (RTPS2). Identifiers: Orphanet 231108, Orphanet 69077, MedGen C2750074, MONDO:0013224, OMIM 613325.

Allele frequency attached by ClinVar (database versions not stated): gnomAD exomes below 0.00001; TOPMed 0.00001.
gnomAD v4.1: 4 of 1,613,182 alleles (0.00025%); highest among the groups gnomAD compares: Non-Finnish European, 0.00034%; no homozygotes.

Submissions (4):

Blueprint Genetics
Classification: Uncertain significance. Last evaluated: 2024-10-23. Review status: criteria provided, single submitter. Criteria: ACMG Guidelines, 2015. Collection method: clinical testing. Allele origin: germline.

Ambry Genetics
Classification: Uncertain significance for Hereditary cancer-predisposing syndrome. Last evaluated: 2024-05-24. Review status: criteria provided, single submitter. Criteria: Ambry Variant Classification Scheme 2023. Collection method: clinical testing. Allele origin: germline.
Comment: The p.E1599G variant (also known as c.4796A>G), located in coding exon 33 of the SMARCA4 gene, results from an A to G substitution at nucleotide position 4796. The glutamic acid at codon 1599 is replaced by glycine, an amino acid with similar properties. This amino acid position is highly conserved in available vertebrate species. In addition, this alteration is predicted to be tolerated by in silico analysis. Since supporting evidence is limited at this time, the clinical significance of this alteration remains unclear.

Labcorp Genetics (formerly Invitae), Labcorp
Classification: Uncertain significance for Rhabdoid tumor predisposition syndrome 2. Last evaluated: 2024-04-06. Review status: criteria provided, single submitter. Criteria: Invitae Variant Classification Sherloc (09022015). Collection method: clinical testing. Allele origin: germline.
Comment: This sequence change replaces glutamic acid, which is acidic and polar, with glycine, which is neutral and non-polar, at codon 1599 of the SMARCA4 protein (p.Glu1599Gly). This variant is not present in population databases (gnomAD no frequency). This variant has not been reported in the literature in individuals affected with SMARCA4-related conditions. ClinVar contains an entry for this variant (Variation ID: 470420). Advanced modeling of protein sequence and biophysical properties (such as structural, functional, and spatial information, amino acid conservation, physicochemical variation, residue mobility, and thermodynamic stability) has been performed at Invitae for this missense variant, however the output from this modeling did not meet the statistical confidence thresholds required to predict the impact of this variant on SMARCA4 protein function. In summary, the available evidence is currently insufficient to determine the role of this variant in disease. Therefore, it has been classified as a Variant of Uncertain Significance.

Genome-Nilou Lab
Classification: Uncertain significance for Intellectual disability, autosomal dominant 16. Last evaluated: 2021-07-15. Review status: criteria provided, single submitter. Criteria: ACMG Guidelines, 2015. Collection method: clinical testing. Allele origin: germline. Affected: no.

NM_003072.5(SMARCA4):c.4700A>G (p.Glu1567Gly)

Gene: SMARCA4 (SWI/SNF related BAF chromatin remodeling complex subunit ATPase 4; plus strand). Cytogenetic location: 19p13.2.
Variant type: single nucleotide variant.
Coding change: c.4700A>G on transcript NM_003072.5 (MANE Select); coding-DNA position 4700, A replaced by G.
Protein change: p.Glu1567Gly; replaces glutamic acid 1567 with glycine.
Molecular consequence: missense variant. On other transcripts: non-coding transcript variant (1).
Genome position (GRCh38, 1-based): chr19:11,059,817, A>G. VCF-style: chr19-11059817-A-G. GRCh37 (hg19) VCF-style: chr19-11170493-A-G.
Other names: c.4700A>G, p.Glu1567Gly (NM_001128844.3); c.4610A>G, p.Glu1537Gly (NM_001128845.2); c.4607A>G, p.Glu1536Gly (NM_001128846.2); c.4601A>G, p.Glu1534Gly (NM_001128847.4, NM_001374457.1); c.4598A>G, p.Glu1533Gly (NM_001128848.2); c.4796A>G, p.Glu1599Gly (NM_001128849.3, NM_001387283.1); short protein forms E1599G, E1534G, E1537G, E1536G, E1567G, E1533G.
Identifiers: ClinVar variation 470420 (VCV000470420.20), dbSNP rs1310082332, ClinGen allele CA404079440.